The following is an entry in ClinVar:

NM_014423.4(AFF4):c.347G>C (p.Ser116Thr)

Gene: AFF4 (ALF transcription elongation factor 4; minus strand). Cytogenetic location: 5q31.1.
Variant type: single nucleotide variant.
Coding change: c.347G>C on transcript NM_014423.4 (MANE Select); coding-DNA position 347, G replaced by C.
Protein change: p.Ser116Thr; replaces serine 116 with threonine.
Molecular consequence: missense variant.
Genome position (GRCh38, 1-based): chr5:132,934,718, C>G on the plus strand (G>C on the coding strand, the complement: AFF4 is on the minus strand). VCF-style: chr5-132934718-C-G. GRCh37 (hg19) VCF-style: chr5-132270410-C-G.
Other names: short protein forms S116T.
Identifiers: ClinVar variation 3345519 (VCV003345519.1).
Genomic context (GRCh38, chr5:132,934,718, plus strand): 5'-GTCCGCTGGCTACTATGTCCACTCTGTAAGCCTGAGGACCGTTTCTGAGACTGAGAAGTG[C>G]TGGGTGCGGGTCCTACTGGAGTCCATTTGCTACTCTGATGAGAGCCTCCATGTCTCTGTT-3'
Protein context (NP_055238.1, residues 106-126): SKWTPVGPAP[Ser116Thr]TSQSQKRSSG

ClinVar aggregate classification (germline): Uncertain significance (0 of 4 stars; one submission).

Conditions:
AFF4-related disorder. Also called: AFF4-related condition.

Submission:

PreventionGenetics, part of Exact Sciences
Classification: Uncertain significance for AFF4-related condition. Last evaluated: 2024-06-08. Review status: no assertion criteria provided. Collection method: clinical testing. Allele origin: germline.
Comment: The AFF4 c.347G>C variant is predicted to result in the amino acid substitution p.Ser116Thr. To our knowledge, this variant has not been reported in the literature or in a large population database, indicating this variant is rare. At this time, the clinical significance of this variant is uncertain due to the absence of conclusive functional and genetic evidence.